The following is an entry in ClinVar:

NM_000199.5(SGSH):c.224C>T (p.Ala75Val)

Gene: SGSH (N-sulfoglucosamine sulfohydrolase; minus strand). Cytogenetic location: 17q25.3.
Variant type: single nucleotide variant.
Coding change: c.224C>T on transcript NM_000199.5 (MANE Select); coding-DNA position 224, C replaced by T.
Protein change: p.Ala75Val; replaces alanine 75 with valine.
Molecular consequence: missense variant. On other transcripts: non-coding transcript variant (1).
Genome position (GRCh38, 1-based): chr17:80,217,057, G>A on the plus strand (C>T on the coding strand, the complement: SGSH is on the minus strand). VCF-style: chr17-80217057-G-A. GRCh37 (hg19) VCF-style: chr17-78190856-G-A.
Other names: c.224C>T, p.Ala75Val (NM_001352921.3, NM_001352922.2); short protein forms A75V.
Identifiers: ClinVar variation 3393592 (VCV003393592.3).
Genomic context (GRCh38, chr17:80,217,057, plus strand): 5'-CTGCCCACCCCCTCCTCCCGCCCCTTGCACCTCACCTGGGGCAGGCCAGTGAGGAGGCTG[G>A]CGCGGCTGGGAGAGCAGCTGCTGACCGAGGTGAAGGCATTGCGAAAGAGGAGGCTGCGGC-3'
Protein context (NP_000190.1, residues 65-85): TSVSSCSPSR[Ala75Val]SLLTGLPQHQ

ClinVar aggregate classification (germline): Conflicting classifications of pathogenicity. Review status: criteria provided, conflicting classifications (1 of 4 stars). 2 submissions from 2 submitters: Likely pathogenic (1); Uncertain significance (1). Last evaluated 2024-11-27.

Conditions:
Mucopolysaccharidosis, MPS-III-A (MPS3A). Also called: HEPARAN SULFATE SULFATASE DEFICIENCY; SANFILIPPO SYNDROME A; SULFAMIDASE DEFICIENCY; MPS III A; Mucopolysaccharidosis, type IIIA; mucopolysaccharidosis type 3A. Identifiers: Orphanet 581, Orphanet 79269, MedGen C0086647, MONDO:0009655, OMIM 252900.

gnomAD v4.1: 22 of 1,588,548 alleles (0.0014%); highest among the groups gnomAD compares: Non-Finnish European, 0.0018%; no homozygotes.

Submissions (2):

Labcorp Genetics (formerly Invitae), Labcorp
Classification: Uncertain significance for Mucopolysaccharidosis, MPS-III-A. Last evaluated: 2024-11-27. Review status: criteria provided, single submitter. Criteria: Invitae Variant Classification Sherloc (09022015). Collection method: clinical testing. Allele origin: germline.
Comment: This sequence change replaces alanine, which is neutral and non-polar, with valine, which is neutral and non-polar, at codon 75 of the SGSH protein (p.Ala75Val). This variant is not present in population databases (gnomAD no frequency). This missense change has been observed in individual(s) with clinical features of mucopolysaccharidosis type III (internal data). In at least one individual the data is consistent with being in trans (on the opposite chromosome) from a pathogenic variant. Invitae Evidence Modeling of protein sequence and biophysical properties (such as structural, functional, and spatial information, amino acid conservation, physicochemical variation, residue mobility, and thermodynamic stability) has been performed for this missense variant. However, the output from this modeling did not meet the statistical confidence thresholds required to predict the impact of this variant on SGSH protein function. In summary, the available evidence is currently insufficient to determine the role of this variant in disease. Therefore, it has been classified as a Variant of Uncertain Significance.

GeneDx
Classification: Likely pathogenic. Last evaluated: 2024-07-05. Review status: criteria provided, single submitter. Criteria: GeneDx Variant Classification Process June 2021. Collection method: clinical testing. Allele origin: germline. Affected: yes.
Comment: Not observed at significant frequency in large population cohorts (gnomAD); In silico analysis supports that this missense variant has a deleterious effect on protein structure/function; Has not been previously published as pathogenic or benign to our knowledge